The following is an entry in ClinVar:

ClinVar aggregate classification (germline): Uncertain significance (1 of 4 stars; one submission).

Conditions:
Xeroderma pigmentosum, group F (XPF). Also called: XERODERMA PIGMENTOSUM, COMPLEMENTATION GROUP F; XERODERMA PIGMENTOSUM VI; XP, GROUP F; ERCC4-Related Xeroderma Pigmentosum; XERODERMA PIGMENTOSUM, TYPE F; Xeroderma pigmentosum, type 6. Identifiers: MedGen C0268140, MONDO:0010215, OMIM 278760.
Fanconi anemia complementation group Q. Identifiers: Orphanet 84, MedGen C3808988, MONDO:0014108, OMIM 615272.
Cockayne syndrome. Identifiers: Orphanet 191, MedGen C0009207, MONDO:0016006.

Allele frequency attached by ClinVar (database versions not stated): gnomAD exomes below 0.00001.
gnomAD v4.1: 1 of 1,613,606 alleles (0.000062%); highest among the groups gnomAD compares: South Asian, 0.0011%; no homozygotes.

Submission:

Labcorp Genetics (formerly Invitae), Labcorp
Classification: Uncertain significance for Fanconi anemia complementation group Q; Xeroderma pigmentosum, group F; Cockayne syndrome. Last evaluated: 2023-07-28. Review status: criteria provided, single submitter. Criteria: Invitae Variant Classification Sherloc (09022015). Collection method: clinical testing. Allele origin: germline.
Comment: This sequence change replaces threonine, which is neutral and polar, with isoleucine, which is neutral and non-polar, at codon 93 of the ERCC4 protein (p.Thr93Ile). This variant is not present in population databases (gnomAD no frequency). This variant has not been reported in the literature in individuals affected with ERCC4-related conditions. Advanced modeling of protein sequence and biophysical properties (such as structural, functional, and spatial information, amino acid conservation, physicochemical variation, residue mobility, and thermodynamic stability) performed at Invitae indicates that this missense variant is not expected to disrupt ERCC4 protein function. In summary, the available evidence is currently insufficient to determine the role of this variant in disease. Therefore, it has been classified as a Variant of Uncertain Significance.

NM_005236.3(ERCC4):c.278C>T (p.Thr93Ile)

Gene: ERCC4 (ERCC excision repair 4, endonuclease catalytic subunit; plus strand). Cytogenetic location: 16p13.12.
Variant type: single nucleotide variant.
Coding change: c.278C>T on transcript NM_005236.3 (MANE Select); coding-DNA position 278, C replaced by T.
Protein change: p.Thr93Ile; replaces threonine 93 with isoleucine.
Molecular consequence: missense variant.
Genome position (GRCh38, 1-based): chr16:13,922,101, C>T. VCF-style: chr16-13922101-C-T. GRCh37 (hg19) VCF-style: chr16-14015958-C-T.
Other names: short protein forms T93I.
Identifiers: ClinVar variation 2946568 (VCV002946568.3), dbSNP rs2543164189, ClinGen allele CA394817852.